The following is an entry in ClinVar:

ClinVar aggregate classification (germline): Pathogenic/Likely pathogenic. Review status: criteria provided, multiple submitters, no conflicts (2 of 4 stars). 18 submissions from 18 submitters: Pathogenic (14); Likely pathogenic (3). 1 of the submissions does not count toward it. Last evaluated 2026-01-26.

Conditions:
SERPINA1-related disorder. Also called: SERPINA1-related condition; SerpinA1-related disorders.
Alpha-1-antitrypsin deficiency (A1ATD). Also called: Alpha1-Antitrypsin Deficiency; AAT deficiency; A1AT deficiency. Identifiers: Orphanet 60, MedGen C0221757, MONDO:0013282, OMIM 613490.

Allele frequency attached by ClinVar (database versions not stated): ESP Exome Variant Server 0.00015; 1000 Genomes Project 30x 0.00016; 1000 Genomes Project 0.00020; ExAC 0.00027; gnomAD exomes 0.00029; gnomAD 0.00031 and 0.00032; TOPMed 0.00032.
gnomAD v4.1: 577 of 1,614,126 alleles (0.036%); highest among the groups gnomAD compares: Middle Eastern, 0.18%; no homozygotes.

Submissions 1 to 6 of 18:

Labcorp Genetics (formerly Invitae), Labcorp
Classification: Pathogenic for Alpha-1-antitrypsin deficiency. Last evaluated: 2026-01-26. Review status: criteria provided, single submitter. Criteria: Invitae Variant Classification Sherloc (09022015). Collection method: clinical testing. Allele origin: germline.
Comment: This sequence change replaces proline, which is neutral and non-polar, with serine, which is neutral and polar, at codon 393 of the SERPINA1 protein (p.Pro393Ser). This variant is present in population databases (rs61761869, gnomAD 0.05%). This missense change has been observed in individuals with alpha-1-antitrypsin deficiency (AATD) (PMID: 18024524, 27296815). ClinVar contains an entry for this variant (Variation ID: 289135). Invitae Evidence Modeling of protein sequence and biophysical properties (such as structural, functional, and spatial information, amino acid conservation, physicochemical variation, residue mobility, and thermodynamic stability) indicates that this missense variant is not expected to disrupt SERPINA1 protein function with a negative predictive value of 80%. Experimental studies have shown that this missense change affects SERPINA1 function (PMID: 10234508, 27296815). This variant disrupts the p.Pro393 amino acid residue in SERPINA1. Other variant(s) that disrupt this residue have been determined to be pathogenic (PMID: 2784123, 10234508, 27296815). This suggests that this residue is clinically significant, and that variants that disrupt this residue are likely to be disease-causing. For these reasons, this variant has been classified as Pathogenic.

Dasa
Classification: Pathogenic. Last evaluated: 2026-01-19. Review status: criteria provided, single submitter. Criteria: DASA Assertion Criteria. Collection method: clinical testing. Allele origin: germline.
Comment: NM_000295.5(SERPINA1):c.1177C>T (p.Pro393Ser) is a missense variant that results in the substitution of proline with serine. Functional evidence supports a deleterious effect on the gene or gene product (PMID: 10234508; PMID: 27296815). This variant has been recurrently observed in individuals with related phenotype (PMID: 10234508; PMID: 27296815). Multiple computational predictions support a deleterious effect on the gene or gene product. The variant is present at low frequency in population datasets. Based on the available data, this variant is classified as pathogenic.

Variantyx, Inc.
Classification: Pathogenic for Alpha-1-antitrypsin deficiency. Last evaluated: 2025-10-13. Review status: criteria provided, single submitter. Criteria: Variantyx Assertion Criteria 2022. Collection method: clinical testing. Allele origin: germline. Inheritance: Autosomal recessive inheritance. Affected: yes.
Comment: This is a nonsynonymous variant in the SERPINA1 gene (OMIM: 107400). Pathogenic variants in this gene have been associated with autosomal recessive alpha-1-antitrypsin deficiency. This variant is also referred to as Mwuerzburg allele (PMID: 10234508). This variant has been identified in the homozygous or compound heterozygous state in at least 3 unrelated individuals reported in the published literature (PMID: 19437508, 18515255, 18024524) (PM3). Functional studies have shown that this variant alters SERPINA1 protein function (PMID: 10234508, 27296815) (PS3), and multiple computational algorithms predict a deleterious effect for this variant (REVEL score: 0.817) (PP3). Moreover, an alternate amino acid change at this position (p.Pro393Leu) hasd been previously reported in similarly affected individuals, which suggests that this residue is biologically important (PMID: 2784123, 10234508, 27296815) (PM5). This variant has a 0.0442% maximum allele frequency in non-founder control populations (PM2). Based on the current evidence, this variant is classified as pathogenic for autosomal recessive alpha-1-antitrypsin deficiency.

GeneDx
Classification: Pathogenic. Last evaluated: 2025-05-09. Review status: criteria provided, single submitter. Criteria: GeneDx Variant Classification Process June 2021. Collection method: clinical testing. Allele origin: germline. Affected: yes.
Comment: In silico analysis supports that this missense variant has a deleterious effect on protein structure/function; Also known as P369S or Mwurzburg allele using alternate nomenclature; This variant is associated with the following publications: (PMID: 31980526, 10234508, 27296815, 11474657, 31447099, 34426522, 34308104, 31661293, 21228398, 29882371, 38791420, 37688579, 22723858)

Myriad Genetics, Inc.
Classification: Likely pathogenic for Alpha-1-antitrypsin deficiency. Last evaluated: 2025-01-06. Review status: criteria provided, single submitter. Criteria: Myriad Autosomal Dominant, Autosomal Recessive and X-Linked Classification Criteria (2023). Collection method: clinical testing. Allele origin: unknown.
Comment: NM_000295.4(SERPINA1):c.1177C>T(P393S) is a missense variant classified as likely pathogenic in the context of alpha-1 antitrypsin deficiency. P393S has been observed in cases with relevant disease (PMID: 19437508, 18515255, 10878477, 10234508, 27296815, 21474916, 19654085, 23222880). Relevant functional assessments of this variant are available in the literature (PMID: 22723858, 10234508). P393S has been observed in referenced population frequency databases. In summary, NM_000295.4(SERPINA1):c.1177C>T(P393S) is a missense variant that has functional support for pathogenicity and has been observed more frequently in cases with the relevant disease than in healthy populations. Please note: this variant was assessed in the context of healthy population screening.

Victorian Clinical Genetics Services, Murdoch Childrens Research Institute
Classification: Pathogenic for Alpha-1-antitrypsin deficiency. Last evaluated: 2024-12-30. Review status: criteria provided, single submitter. Criteria: ACMG Guidelines, 2015. Collection method: clinical testing. Allele origin: germline. Affected: yes.
Comment: This variant is classified as Pathogenic. Evidence in support of pathogenic classification: Variant is present in gnomAD <0.01 for a recessive condition (v2) (81 heterozygotes, 0 homozygotes); This variant has strong previous evidence of pathogenicity in unrelated individuals. This variant is also known as p.(Pro369Leu) in an alternative nomenclature or as the MWurzburg allele. It has previously been reported in at least 8 alpha-1-1-antitrypsin deficiency patients and is often referred to as a severe deficient allele (ClinVar; PMIDs: 27296815; 18024524; 18515255; 11474657; 19437508; 10878477); This variant has moderate functional evidence supporting abnormal protein function. In vitro and in vivo functional studies have demonstrated that this variant results in intracellular transportation and secretion defects (PMID: 10234508; 22723858); Another missense variants comparable to the one identified in this case have limited previous evidence for pathogenicity. The p.(Pro393Leu) (alternatively known as P369L or MHeerlen) has previously been reported in at least 5 patients and has been suggested to result in extremely low AAT level and no liver disease (ClinVar; PMID: 26321041; 2784123; 27296815; 10234508). Missense variant consistently predicted to be damaging by multiple in silico tools or highly conserved with a major amino acid change. Additional information: Variant is predicted to result in a missense amino acid change from proline to serine; This variant is heterozygous; This gene is associated with autosomal recessive disease; Multiple alternative amino acid changes at the same position has been observed in gnomAD (v2) with p.(Pro393Leu) having the highest allele count (14 heterozygotes, 0 homozygotes); Variant is located in the annotated reactive centre loop (RCL) within the Serpin domain (NCBI conserved domains; Pfam); Loss of function is a known mechanism of disease in this gene and is associated with alpha 1-antitrypsin deficiency (MONDO:0013282), SERPINA1-related; Heterozygous variant detected in trans with a second PATHOGENIC heterozygous variant (NM_000295.5(SERPINA1):c.1158dup; p.(Glu387Argfs*14)) in a recessive disease.

NM_000295.5(SERPINA1):c.1177C>T (p.Pro393Ser)

Gene: SERPINA1 (serpin family A member 1; minus strand). Cytogenetic location: 14q32.13.
Variant type: single nucleotide variant.
Coding change: c.1177C>T on transcript NM_000295.5 (MANE Select); coding-DNA position 1177, C replaced by T.
Protein change: p.Pro393Ser; replaces proline 393 with serine.
Molecular consequence: missense variant.
Genome position (GRCh38, 1-based): chr14:94,378,529, G>A on the plus strand (C>T on the coding strand, the complement: SERPINA1 is on the minus strand). VCF-style: chr14-94378529-G-A. GRCh37 (hg19) VCF-style: chr14-94844866-G-A.
Other names: c.1177C>T, p.Pro393Ser (NM_001002235.3, NM_001002236.3, NM_001127700.2 and 7 more transcripts); short protein forms P393S.
Identifiers: ClinVar variation 289135 (VCV000289135.71), dbSNP rs61761869, ClinGen allele CA7327256.